The following is an entry in ClinVar:

NM_015375.3(DSTYK):c.219C>G (p.Ala73=)

Gene: DSTYK (dual serine/threonine and tyrosine protein kinase; minus strand). Cytogenetic location: 1q32.1.
Variant type: single nucleotide variant.
Coding change: c.219C>G on transcript NM_015375.3 (MANE Select); coding-DNA position 219, C replaced by G.
Protein change: p.Ala73=; no amino-acid change (alanine 73 retained).
Molecular consequence: synonymous variant.
Genome position (GRCh38, 1-based): chr1:205,211,317, G>C on the plus strand (C>G on the coding strand, the complement: DSTYK is on the minus strand). VCF-style: chr1-205211317-G-C. GRCh37 (hg19) VCF-style: chr1-205180445-G-C.
Other names: c.219C>G, p.Ala73= (NM_199462.3).
Identifiers: ClinVar variation 4983749 (VCV004983749.1).
Genomic context (GRCh38, chr1:205,211,317, plus strand): 5'-GCTGCCCTCCTTACCCGCCTGCAGCCCGGTTTCGGCGACATCGCCTGCAGGGCCGCGCTC[G>C]GCCCCGCCGCCGCCCGTGAGGGAGGAGAGACAAGTGTGGTTGTGGGAGCACTTGATGTCG-3'
Protein context (NP_056190.1, residues 63-83): CLSSLTGGGG[Ala73=]ERGPAGDVAE

ClinVar aggregate classification (germline): Likely benign (1 of 4 stars; one submission).

Conditions:
DSTYK-related disorder. Also called: DSTYK-related condition.

gnomAD v4.1: 6 of 1,610,328 alleles (0.00037%); highest among the groups gnomAD compares: South Asian, 0.0011%; no homozygotes.

Submission:

PreventionGenetics, part of Exact Sciences
Classification: Likely benign for DSTYK-related condition. Last evaluated: 2026-08-15. Review status: criteria provided, single submitter. Criteria: ACMG Guidelines, 2015. Collection method: clinical testing. Allele origin: germline.
Comment: This variant is classified as likely benign based on ACMG/AMP sequence variant interpretation guidelines (Richards et al. 2015 PMID: 25741868, with internal and published modifications).